The following is an entry in ClinVar:

ClinVar aggregate classification (germline): Uncertain significance (1 of 4 stars; one submission).

Allele frequency attached by ClinVar (database versions not stated): gnomAD 0.00001; ExAC 0.00002; gnomAD exomes 0.00003.
gnomAD v4.1: 16 of 1,613,406 alleles (0.00099%); highest among the groups gnomAD compares: South Asian, 0.018%; no homozygotes.

Submission:

Labcorp Genetics (formerly Invitae), Labcorp
Classification: Uncertain significance. Last evaluated: 2023-01-21. Review status: criteria provided, single submitter. Criteria: Invitae Variant Classification Sherloc (09022015). Collection method: clinical testing. Allele origin: germline.
Comment: This sequence change replaces proline, which is neutral and non-polar, with leucine, which is neutral and non-polar, at codon 1075 of the COL4A1 protein (p.Pro1075Leu). This variant has not been reported in the literature in individuals affected with COL4A1-related conditions. This variant is present in population databases (rs758848476, gnomAD 0.01%). In summary, the available evidence is currently insufficient to determine the role of this variant in disease. Therefore, it has been classified as a Variant of Uncertain Significance. Algorithms developed to predict the effect of missense changes on protein structure and function are either unavailable or do not agree on the potential impact of this missense change (SIFT: "Deleterious"; PolyPhen-2: "Probably Damaging"; Align-GVGD: "Class C0").

NM_001845.6(COL4A1):c.3224C>T (p.Pro1075Leu)

Gene: COL4A1 (collagen type IV alpha 1 chain; minus strand). Cytogenetic location: 13q34.
Variant type: single nucleotide variant.
Coding change: c.3224C>T on transcript NM_001845.6 (MANE Select); coding-DNA position 3224, C replaced by T.
Protein change: p.Pro1075Leu; replaces proline 1075 with leucine.
Molecular consequence: missense variant.
Genome position (GRCh38, 1-based): chr13:110,174,724, G>A on the plus strand (C>T on the coding strand, the complement: COL4A1 is on the minus strand). VCF-style: chr13-110174724-G-A. GRCh37 (hg19) VCF-style: chr13-110827071-G-A.
Other names: short protein forms P1075L.
Identifiers: ClinVar variation 2877201 (VCV002877201.3), dbSNP rs758848476, ClinGen allele CA7047327.